The following is an entry in ClinVar:

NM_170601.5(SIAE):c.1079T>A (p.Met360Lys)

Gene: SIAE (sialic acid acetylesterase; minus strand). Cytogenetic location: 11q24.2.
Variant type: single nucleotide variant.
Coding change: c.1079T>A on transcript NM_170601.5 (MANE Select); coding-DNA position 1079, T replaced by A.
Protein change: p.Met360Lys; replaces methionine 360 with lysine.
Molecular consequence: missense variant.
Genome position (GRCh38, 1-based): chr11:124,639,755, A>T on the plus strand (T>A on the coding strand, the complement: SIAE is on the minus strand). VCF-style: chr11-124639755-A-T. GRCh37 (hg19) VCF-style: chr11-124509651-A-T.
Other names: c.974T>A, p.Met325Lys (NM_001199922.2); c.1079T>A (NM_170601.4); short protein forms M325K, M360K.
Identifiers: ClinVar variation 2065567 (VCV002065567.5), dbSNP rs201332360, ClinGen allele CA6341309.
Genomic context (GRCh38, chr11:124,639,755, plus strand): 5'-AAGAAGCAATCATACCTGCCAAAAGGCGAGTCTCTATCACAGAGATCCATAGCTACAGCC[A>T]TGAAAGTATTGGGCATCTTTGGGTTGGGGACATAGCCGAAGTCTGCTGTTTGATGCCAAC-3'
Protein context (NP_733746.1, residues 350-370): VPNPKMPNTF[Met360Lys]AVAMDLCDRD

ClinVar aggregate classification (germline): Uncertain significance. Review status: criteria provided, multiple submitters, no conflicts (2 of 4 stars). 2 submissions from 2 submitters: Uncertain significance (2). Last evaluated 2025-07-09.

Allele frequency attached by ClinVar (database versions not stated): ExAC 0.00002; gnomAD 0.00006; TOPMed 0.00006; gnomAD exomes 0.00014.
gnomAD v4.1: 205 of 1,614,112 alleles (0.013%); highest among the groups gnomAD compares: Non-Finnish European, 0.017%; no homozygotes.

Submissions (2):

Labcorp Genetics (formerly Invitae), Labcorp
Classification: Uncertain significance. Last evaluated: 2025-07-09. Review status: criteria provided, single submitter. Criteria: Invitae Variant Classification Sherloc (09022015). Collection method: clinical testing. Allele origin: germline.
Comment: This sequence change replaces methionine, which is neutral and non-polar, with lysine, which is basic and polar, at codon 360 of the SIAE protein (p.Met360Lys). This variant is present in population databases (rs201332360, gnomAD 0.009%). This variant has not been reported in the literature in individuals affected with SIAE-related conditions. ClinVar contains an entry for this variant (Variation ID: 2065567). An algorithm developed to predict the effect of missense changes on protein structure and function (PolyPhen-2) suggests that this variant is likely to be disruptive. In summary, the available evidence is currently insufficient to determine the role of this variant in disease. Therefore, it has been classified as a Variant of Uncertain Significance.

Ambry Genetics
Classification: Uncertain significance. Last evaluated: 2023-12-13. Review status: criteria provided, single submitter. Criteria: Ambry Variant Classification Scheme 2023. Collection method: clinical testing. Allele origin: germline.